The following is an entry in ClinVar:

ClinVar aggregate classification (germline): Uncertain significance (1 of 4 stars; one submission).

Submission:

GeneDx
Classification: Uncertain significance. Last evaluated: 2023-04-03. Review status: criteria provided, single submitter. Criteria: GeneDx Variant Classification Process June 2021. Collection method: clinical testing. Allele origin: germline. Affected: yes.
Comment: Not observed at significant frequency in large population cohorts (gnomAD); In-frame deletion of 1 amino acid in a non-repeat region; In silico analysis supports a deleterious effect on protein structure/function; Has not been previously published as pathogenic or benign to our knowledge

NM_001961.4(EEF2):c.1312AAG[1] (p.Lys439del)

Gene: EEF2 (eukaryotic translation elongation factor 2; minus strand). Cytogenetic location: 19p13.3.
Variant type: Microsatellite.
Coding change: c.1312AAG[1] on transcript NM_001961.4 (MANE Select); one copy of the 3-base unit AAG starting at c.1312; the reference has two copies in a row; one copy, 3 bases deleted.
Protein change: p.Lys439del; deletes lysine 439.
Molecular consequence: inframe deletion.
Genome position (GRCh38, 1-based): chr19:3,980,543-3,980,545, CTT deleted on the plus strand (AAG on the coding strand, the reverse complement: EEF2 is on the minus strand); deleting any 3 consecutive bases within chr19:3,980,543-3,980,549 gives the same sequence; the position shown is the placement nearest the transcript's 3' end. VCF-style (leftmost placement, unchanged base first): chr19-3980542-CCTT-C. GRCh37 (hg19) VCF-style: chr19-3980540-CCTT-C.
Other names: short protein forms K439del.
Identifiers: ClinVar variation 2662760 (VCV002662760.1), dbSNP rs1195137689, ClinGen allele CA882129725.